The following is an entry in ClinVar:

NM_001010909.5(MUC21):c.981C>T (p.Ala327=)

Genes: MUC21 (mucin 21, cell surface associated; plus strand), LOC126859647 (CDK7 strongly-dependent group 2 enhancer GRCh37_chr6:30954612-30955811; plus strand). Cytogenetic location: 6p21.33.
Variant type: single nucleotide variant.
Coding change: c.981C>T on transcript NM_001010909.5 (MANE Select); coding-DNA position 981, C replaced by T.
Protein change: p.Ala327=; no amino-acid change (alanine 327 retained).
Molecular consequence: synonymous variant. On other transcripts: non-coding transcript variant (1).
Genome position (GRCh38, 1-based): chr6:30,987,156, C>T. VCF-style: chr6-30987156-C-T. GRCh37 (hg19) VCF-style: chr6-30954933-C-T.
Other names: c.1071C>T, p.Ala357= (NM_001322370.2, NM_001322371.2).
Identifiers: ClinVar variation 3250625 (VCV003250625.18), dbSNP rs377426830.

ClinVar aggregate classification (germline): Likely benign (1 of 4 stars; one submission).

Allele frequency attached by ClinVar (database versions not stated): gnomAD 0.00002.

Submission:

CeGaT Center for Human Genetics Tuebingen
Classification: Likely benign. Last evaluated: 2025-10-01. Review status: criteria provided, single submitter. Criteria: CeGaT Center For Human Genetics Tuebingen Variant Classification Criteria Version 2. Collection method: clinical testing. Allele origin: germline. Affected: yes. Observed: 5 variant alleles.
Comment: MUC21: BP4, BP7